The following is an entry in ClinVar:

ClinVar aggregate classification (germline): Uncertain significance. Review status: criteria provided, multiple submitters, no conflicts (2 of 4 stars). 2 submissions from 2 submitters: Uncertain significance (2). Last evaluated 2024-06-08.

Conditions:
Bethlem myopathy 1A. Also called: MYOPATHY, BENIGN CONGENITAL, WITH CONTRACTURES; Bethlem Muscular Dystrophy; Bethlem myopathy 1. Identifiers: Orphanet 610, MedGen CN029274, MONDO:0024530, OMIM 158810.
Inborn genetic diseases. Identifiers: MedGen C0950123, MeSH D030342.

Allele frequency attached by ClinVar (database versions not stated): TOPMed below 0.00001.
gnomAD v4.1: 2 of 1,614,172 alleles (0.00012%); highest among the groups gnomAD compares: South Asian, 0.0011%; no homozygotes.

Submissions (2):

Labcorp Genetics (formerly Invitae), Labcorp
Classification: Uncertain significance for Bethlem myopathy 1A. Last evaluated: 2024-06-08. Review status: criteria provided, single submitter. Criteria: Invitae Variant Classification Sherloc (09022015). Collection method: clinical testing. Allele origin: germline.
Comment: This sequence change replaces phenylalanine, which is neutral and non-polar, with leucine, which is neutral and non-polar, at codon 2542 of the COL6A3 protein (p.Phe2542Leu). This variant is not present in population databases (gnomAD no frequency). This variant has not been reported in the literature in individuals affected with COL6A3-related conditions. ClinVar contains an entry for this variant (Variation ID: 2617666). Advanced modeling of protein sequence and biophysical properties (such as structural, functional, and spatial information, amino acid conservation, physicochemical variation, residue mobility, and thermodynamic stability) performed at Invitae indicates that this missense variant is not expected to disrupt COL6A3 protein function with a negative predictive value of 80%. In summary, the available evidence is currently insufficient to determine the role of this variant in disease. Therefore, it has been classified as a Variant of Uncertain Significance.

Ambry Genetics
Classification: Uncertain significance for Inborn genetic diseases. Last evaluated: 2023-08-10. Review status: criteria provided, single submitter. Criteria: Ambry Variant Classification Scheme 2023. Collection method: clinical testing. Allele origin: germline.

NM_004369.4(COL6A3):c.7626C>A (p.Phe2542Leu)

Gene: COL6A3 (collagen type VI alpha 3 chain; minus strand). Cytogenetic location: 2q37.3.
Variant type: single nucleotide variant.
Coding change: c.7626C>A on transcript NM_004369.4 (MANE Select); coding-DNA position 7626, C replaced by A.
Protein change: p.Phe2542Leu; replaces phenylalanine 2542 with leucine.
Molecular consequence: missense variant.
Genome position (GRCh38, 1-based): chr2:237,344,392, G>T on the plus strand (C>A on the coding strand, the complement: COL6A3 is on the minus strand). VCF-style: chr2-237344392-G-T. GRCh37 (hg19) VCF-style: chr2-238253035-G-T.
Other names: c.5805C>A, p.Phe1935Leu (NM_057166.5); c.7008C>A, p.Phe2336Leu (NM_057167.4); short protein forms F1935L, F2336L, F2542L.
Identifiers: ClinVar variation 2617666 (VCV002617666.4), dbSNP rs758039484, ClinGen allele CA351201719.